The following is an entry in ClinVar:

ClinVar aggregate classification (germline): Uncertain significance (1 of 4 stars; one submission).

Conditions:
ACE-related disorder. Also called: ACE-related condition; ACE-related disorders.

gnomAD v4.1: 80 of 1,500,390 alleles (0.0053%); highest among the groups gnomAD compares: Non-Finnish European, 0.0066%; no homozygotes.

Submission:

PreventionGenetics, part of Exact Sciences
Classification: Uncertain significance for ACE-related condition. Last evaluated: 2026-02-19. Review status: criteria provided, single submitter. Criteria: ACMG Guidelines, 2015. Collection method: clinical testing. Allele origin: germline.
Comment: The ACE c.133G>C variant is predicted to result in the amino acid substitution p.Gly45Arg. To our knowledge, this variant has not been reported in the literature. This variant is reported in 0.0078% of alleles in individuals of European (Non-Finnish) descent in gnomAD. At this time, the clinical significance of this variant is uncertain due to the absence of conclusive functional and genetic evidence.

NM_000789.4(ACE):c.133G>C (p.Gly45Arg)

Gene: ACE (angiotensin I converting enzyme; plus strand). Cytogenetic location: 17q23.3.
Variant type: single nucleotide variant.
Coding change: c.133G>C on transcript NM_000789.4 (MANE Select); coding-DNA position 133, G replaced by C.
Protein change: p.Gly45Arg; replaces glycine 45 with arginine.
Molecular consequence: missense variant. On other transcripts: 5 prime UTR variant (2).
Genome position (GRCh38, 1-based): chr17:63,477,227, G>C. VCF-style: chr17-63477227-G-C. GRCh37 (hg19) VCF-style: chr17-61554588-G-C.
Other names: c.-103G>C (NM_001382700.1); c.-482G>C (NM_001382701.1); short protein forms G45R.
Identifiers: ClinVar variation 4985317 (VCV004985317.1).